The following is an entry in ClinVar:

ClinVar aggregate classification (germline): Benign. Review status: criteria provided, multiple submitters, no conflicts (2 of 4 stars). 3 submissions from 3 submitters: Benign (3). Last evaluated 2025-03-04.

Conditions:
GCNT2-related disorder. Also called: GCNT2-related condition.
Blood group, I system (Ii). Identifiers: MedGen C0020717, OMIM 110800.
Cataract 13 with adult I phenotype. Identifiers: Orphanet 91492, MedGen C3805373, MONDO:0007289, OMIM 116700.

Allele frequency attached by ClinVar (database versions not stated): gnomAD 0.00003 and 0.00081; TOPMed 0.00012; gnomAD exomes 0.00155 and 0.00322; ExAC 0.00348; 1000 Genomes Project 30x 0.00515; 1000 Genomes Project 0.00539.
gnomAD v4.1: 2,380 of 1,614,140 alleles (0.15%); highest among the groups gnomAD compares: South Asian, 2.5%; 59 homozygotes.

Submissions (3):

Labcorp Genetics (formerly Invitae), Labcorp
Classification: Benign for Cataract 13 with adult I phenotype. Last evaluated: 2025-03-04. Review status: criteria provided, single submitter. Criteria: Invitae Variant Classification Sherloc (09022015). Collection method: clinical testing. Allele origin: germline.

PreventionGenetics, part of Exact Sciences
Classification: Benign for GCNT2-related condition. Last evaluated: 2025-02-13. Review status: criteria provided, single submitter. Criteria: ACMG Guidelines, 2015. Collection method: clinical testing. Allele origin: germline.
Comment: This variant is classified as benign based on ACMG/AMP sequence variant interpretation guidelines (Richards et al. 2015 PMID: 25741868, with internal and published modifications).

Illumina Laboratory Services, Illumina
Classification: Benign for Blood group, I system. Last evaluated: 2018-01-12. Review status: criteria provided, single submitter. Criteria: ICSL Variant Classification Criteria 13 December 2019. Collection method: clinical testing. Allele origin: germline.
Comment: This variant was observed in the ICSL laboratory as part of a predisposition screen in an ostensibly healthy population. It had not been previously curated by ICSL or reported in the Human Gene Mutation Database (HGMD: prior to June 1st, 2018), and was therefore a candidate for classification through an automated scoring system. Utilizing variant allele frequency, disease prevalence and penetrance estimates, and inheritance mode, an automated score was calculated to assess if this variant is too frequent to cause the disease. Based on the score and internal cut-off values, a variant classified as benign is not then subjected to further curation. The score for this variant resulted in a classification of benign for this disease.

NM_001491.3(GCNT2):c.517A>G (p.Arg173Gly)

Gene: GCNT2 (glucosaminyl (N-acetyl) transferase 2 (I blood group); plus strand). Cytogenetic location: 6p24.3.
Variant type: single nucleotide variant.
Coding change: c.517A>G on transcript NM_001491.3 (MANE Plus Clinical); coding-DNA position 517, A replaced by G.
Protein change: p.Arg173Gly; replaces arginine 173 with glycine.
Molecular consequence: missense variant. On other transcripts: intron variant (2).
Genome position (GRCh38, 1-based): chr6:10,556,940, A>G. VCF-style: chr6-10556940-A-G. GRCh37 (hg19) VCF-style: chr6-10557173-A-G.
Other names: c.925+27104A>G (NM_145649.5, NM_001374747.1); short protein forms R173G.
Identifiers: ClinVar variation 354705 (VCV000354705.16), dbSNP rs560637463, ClinGen allele CA3632019.